The following is an entry in ClinVar:

ClinVar aggregate classification (germline): Likely benign (1 of 4 stars; one submission).

Allele frequency attached by ClinVar (database versions not stated): TOPMed 0.00002; gnomAD 0.00003.
gnomAD v4.1: 53 of 1,613,240 alleles (0.0033%); highest among the groups gnomAD compares: Non-Finnish European, 0.0045%; no homozygotes.

Submission:

CeGaT Center for Human Genetics Tuebingen
Classification: Likely benign. Last evaluated: 2022-05-01. Review status: criteria provided, single submitter. Criteria: CeGaT Center For Human Genetics Tuebingen Variant Classification Criteria Version 2. Collection method: clinical testing. Allele origin: germline. Affected: yes. Observed: 1 variant allele.
Comment: ASXL3: BP4, BP7

NM_030632.3(ASXL3):c.6246A>G (p.Glu2082=)

Gene: ASXL3 (ASXL transcriptional regulator 3; plus strand). Cytogenetic location: 18q12.1.
Variant type: single nucleotide variant.
Coding change: c.6246A>G on transcript NM_030632.3 (MANE Select); coding-DNA position 6246, A replaced by G.
Protein change: p.Glu2082=; no amino-acid change (glutamic acid 2082 retained).
Molecular consequence: synonymous variant.
Genome position (GRCh38, 1-based): chr18:33,746,094, A>G. VCF-style: chr18-33746094-A-G. GRCh37 (hg19) VCF-style: chr18-31326058-A-G.
Identifiers: ClinVar variation 2648666 (VCV002648666.24), dbSNP rs902703242, ClinGen allele CA297794982.